The following is an entry in ClinVar:

NM_024675.4(PALB2):c.2658T>A (p.Cys886Ter)

Gene: PALB2 (partner and localizer of BRCA2; minus strand). Cytogenetic location: 16p12.2.
Variant type: single nucleotide variant.
Coding change: c.2658T>A on transcript NM_024675.4 (MANE Select); coding-DNA position 2658, T replaced by A.
Protein change: p.Cys886Ter; replaces cysteine 886 with a stop codon.
Molecular consequence: nonsense. On other transcripts: intron variant (3).
Genome position (GRCh38, 1-based): chr16:23,626,326, A>T on the plus strand (T>A on the coding strand, the complement: PALB2 is on the minus strand). VCF-style: chr16-23626326-A-T. GRCh37 (hg19) VCF-style: chr16-23637647-A-T.
Other names: c.2598T>A, p.Cys866Ter (NM_001407296.1); c.2586T>A, p.Cys862Ter (NM_001407297.1); c.2658T>A, p.Cys886Ter (NM_001407299.1, NM_001407300.1, NM_001407301.1); c.1773T>A, p.Cys591Ter (NM_001407304.1, NM_001407305.1, NM_001407306.1 and 4 more transcripts); c.870T>A, p.Cys290Ter (NM_001407312.1, NM_001407313.1); c.192T>A, p.Cys64Ter (NM_001407314.1); c.2587-2232T>A (NM_001407302.1, NM_001407298.1); c.1702-2232T>A (NM_001407307.1); short protein forms C290*, C591*, C64*, C862*, C866*, C886*.
Identifiers: ClinVar variation 2674050 (VCV002674050.1), dbSNP rs2142354911, ClinGen allele CA395122097.

ClinVar aggregate classification (germline): Pathogenic (1 of 4 stars; one submission).

Conditions:
Familial cancer of breast. Also called: Hereditary breast cancer; BREAST CANCER, FAMILIAL; hereditary breast carcinoma. Identifiers: Orphanet 227535, MedGen C0346153, MONDO:0016419, OMIM 114480. Disease mechanism: loss of function.

Submission:

Myriad Genetics, Inc.
Classification: Pathogenic for Familial cancer of breast. Last evaluated: 2023-09-13. Review status: criteria provided, single submitter. Criteria: Myriad Autosomal Dominant, Autosomal Recessive and X-Linked Classification Criteria (2023). Collection method: clinical testing. Allele origin: unknown.
Comment: This variant is considered pathogenic. This variant creates a termination codon and is predicted to result in premature protein truncation.